The following continues an entry in ClinVar:

NM_000059.4(BRCA2):c.6486_6489del (p.Lys2162fs)

Gene: BRCA2. ClinVar aggregate classification (germline): Pathogenic. Pathogenic (1).

Submissions 12 to 24 of 43:

Ambry Genetics
Classification: Pathogenic for Hereditary cancer-predisposing syndrome. Last evaluated: 2024-10-31. Review status: criteria provided, single submitter. Criteria: Ambry Variant Classification Scheme 2023. Collection method: clinical testing. Allele origin: germline. Not counted in ClinVar's aggregate classification.
Comment: The c.6486_6489delACAA pathogenic mutation, located in coding exon 10 of the BRCA2 gene, results from a deletion of 4 nucleotides at nucleotide positions 6486 to 6489, causing a translational frameshift with a predicted alternate stop codon (p.K2162Nfs*5). This alteration has been reported in multiple cohorts of individuals and families with early-onset or familial breast cancer (Bergthorsson JT et al. J. Med. Genet. 2001 Jun;38:361-8; Thomassen M et al. Acta. Oncol. 2008;47:772-7; de Juan Jim&eacute;nez I et al. Fam. Cancer. 2013 Dec;12:767-77; Sambiasi D et al. Oncol. Rep. 2014 Jan;31:365-9; D'Argenio V et al. Clin. Chim. Acta. 2015 Jun;446:221-5; Hoyer J et al. BMC Cancer. 2018 Sep;18:926; Millan Catalan O et al. Cancers (Basel). 2019 Aug;11:; Abdel-Razeq H et al. Sci Rep. 2021 07;11:14906), as well as patients with prostate, ovarian, and pancreatic cancer diagnoses (Edwards SM et al. Am. J. Hum. Genet. 2003 Jan;72:1-12; Edwards SM et al. Br. J. Cancer. 2010 Sep;103:918-24; Roed Nielsen H et al. Acta. Oncol. 2016 Sep;55:38-44; Pishvaian MJ et al. Br J Cancer. 2017 Apr;116:1021-1026; Li A et al. Gynecol Oncol. 2018 10;151:145-152). Of note, this alteration is also designated as 6714del4 and 6710delACAA in published literature. In addition to the clinical data presented in the literature, this alteration is expected to result in loss of function by premature protein truncation or nonsense-mediated mRNA decay. As such, this alteration is interpreted as a disease-causing mutation.

Blueprint Genetics
Classification: Pathogenic for BRCA2-related disorders. Last evaluated: 2024-10-16. Review status: criteria provided, single submitter. Criteria: ACMG Guidelines, 2015. Collection method: clinical testing. Allele origin: germline. Affected: yes. Observed: 5 variant alleles. Not counted in ClinVar's aggregate classification.

All of Us Research Program, National Institutes of Health
Classification: Pathogenic for BRCA2-related cancer predisposition. Last evaluated: 2024-06-09. Review status: criteria provided, single submitter. Criteria: ACMG Guidelines, 2015. Collection method: clinical testing. Allele origin: germline. Inheritance: Autosomal dominant inheritance. Observed: 2 variant alleles, 2 heterozygotes. Not counted in ClinVar's aggregate classification.
Comment: This variant deletes 4 nucleotides in exon 11 of the BRCA2 gene, creating a frameshift and premature translation stop signal. This variant is also known as 6714delACAA, 6714del4, 6710delACAA and 6710del4 in the literature. This variant is expected to result in an absent or non-functional protein product. This variant has been detected in over 10 individuals affected with breast and/or ovarian cancer (PMID: 10978364, 11389159, 18694767, 20104584, 23479189, 24145998, 25371446, 25452441, 25586199, 26026974, 26360800, 26681312, 29084914, 30702160, 33471991; Leiden Open Variation Database DB-ID BRCA2_000162) and is reported as a recurrent mutation in Danish hereditary breast and ovarian cancer families (PMID: 18465347). This variant also has been reported in one individual each affected with pancreatic and prostate cancer (PMID: 10969800, 28291774). This variant has been identified in 2/232332 chromosomes in the general population by the Genome Aggregation Database (gnomAD). Loss of BRCA2 function is a known mechanism of disease. Based on the available evidence, this variant is classified as Pathogenic.

This study involves interpretation of variants in research participants for the purpose of population health screening. Participant phenotype was not available at the time of variant classification. Additional details can be found in publication PMID: 35346344, PMCID: PMC8962531

Department of Clinical Genetics, Copenhagen University Hospital, Rigshospitalet
Classification: Pathogenic for Breast-ovarian cancer, familial, susceptibility to, 2. Last evaluated: 2024-05-27. Review status: criteria provided, single submitter. Criteria: ACMG Guidelines, 2015. Collection method: clinical testing. Allele origin: germline. Affected: yes. Not counted in ClinVar's aggregate classification.
Comment: PVS1; PM5_PTC_Strong

CeGaT Center for Human Genetics Tuebingen
Classification: Pathogenic. Last evaluated: 2023-12-01. Review status: criteria provided, single submitter. Criteria: CeGaT Center For Human Genetics Tuebingen Variant Classification Criteria Version 2. Collection method: clinical testing. Allele origin: germline. Affected: yes. Observed: 1 variant allele. Not counted in ClinVar's aggregate classification.
Comment: BRCA2: PVS1, PM2, PS4:Moderate

Quest Diagnostics Nichols Institute San Juan Capistrano
Classification: Pathogenic. Last evaluated: 2023-11-08. Review status: criteria provided, single submitter. Criteria: Quest Diagnostics criteria. Collection method: clinical testing. Allele origin: unknown. Not counted in ClinVar's aggregate classification.
Comment: The BRCA2 c.6486_6489del (p.Lys2162Asnfs*5) variant alters the translational reading frame of the BRCA2 mRNA and causes the premature termination of BRCA2 protein synthesis. This variant has been reported in the published literature in individuals with breast cancer (PMIDs: 36292577 (2022), 35864222 (2022), 34290354 (2021), 32862574 (2020), 31957001 (2020), 30257646 (2018), 29339979 (2018), 26681312 (2015), 23479189 (2013), 21847643 (2012)), ovarian cancer (PMIDs: 32872764 (2020), 29084914 (2018), 23479189 (2013)), and prostate cancer (PMIDs: 33804961 (2021), 26360800 (2016), 12474142 (2003), 10969800 (2000)). The frequency of this variant in the general population, 0.0000086 (2/232332 chromosomes (Genome Aggregation Database)), is consistent with pathogenicity. Based on the available information, this variant is classified as pathogenic.

Clinical Genetics Laboratory, Skane University Hospital Lund
Classification: Pathogenic. Last evaluated: 2023-10-24. Review status: criteria provided, single submitter. Criteria: ACMG Guidelines, 2015. Collection method: clinical testing. Allele origin: germline. Affected: yes. Not counted in ClinVar's aggregate classification.

Baylor Genetics
Classification: Pathogenic for Familial cancer of breast. Last evaluated: 2023-10-17. Review status: criteria provided, single submitter. Criteria: ACMG Guidelines, 2015. Collection method: clinical testing. Allele origin: unknown. Not counted in ClinVar's aggregate classification.

MGZ Medical Genetics Center
Classification: Pathogenic for Breast-ovarian cancer, familial, susceptibility to, 2. Last evaluated: 2022-02-15. Review status: criteria provided, single submitter. Criteria: ACMG Guidelines, 2015. Collection method: clinical testing. Allele origin: germline. Affected: yes. Observed: 1 variant allele. Not counted in ClinVar's aggregate classification.
Comment: ACMG criteria applied: PVS1, PS4_MOD, PM2_SUP, PP4

Sema4
Classification: Pathogenic for Hereditary cancer-predisposing syndrome. Last evaluated: 2022-01-06. Review status: criteria provided, single submitter. Criteria: Sema4 Curation Guidelines. Collection method: curation. Allele origin: germline. Not counted in ClinVar's aggregate classification.
Comment: The BRCA2 c.6486_6489delACAA (p.K2162NfsX5) has been reported in multiple individuals with breast and/or ovarian cancer (PMID:10660329, 23479189, 26360800, 28176296, 30702160, 31957001,32318955). This variant has also been reported in patients with prostate cancer (PMID:12474142). This variant, also known as 6714_6717delACAA, 6710delACAA, or 6714del4, causes a frameshift at amino acid 2162 that results in premature termination 5 amino acids downstream. At this location, this is predicted to cause nonsense-mediated decay and result in an absent protein (loss of function). Loss of function variants in BRCA2 are known to be pathogenic (PMID: 29446198). This variant was observed in 1/26026 chromosomes in the South Asian population according to the Genome Aggregation Database (PMID: 32461654). This variant has been reported in ClinVar (Variation ID: 38048). Based on the current evidence available, this variant is interpreted as pathogenic.

GeneDx
Classification: Pathogenic. Last evaluated: 2021-08-19. Review status: criteria provided, single submitter. Criteria: GeneDx Variant Classification Process June 2021. Collection method: clinical testing. Allele origin: germline. Affected: yes. Not counted in ClinVar's aggregate classification.
Comment: Frameshift variant predicted to result in protein truncation or nonsense mediated decay in a gene for which loss-of-function is a known mechanism of disease; Not observed at a significant frequency in large population cohorts (Lek 2016); Truncating variants in this gene are considered pathogenic by a well-established clinical consortium and/or database; This variant is associated with the following publications: (PMID: 33587123, 32318955, 26689913, 29625052, 31957001, 31454914, 30322717, 30702160, 28176296, 30078507, 30720243, 28724667, 29084914, 29339979, 11389159, 27376475, 28127413, 27225819, 28291774, 26026974, 26681312, 10660329, 10969800, 16684319, 25371446, 26360800, 25452441, 24145998, 18465347, 23479189, 20736950, 12474142)

New York Genome Center
Classification: Pathogenic for Breast-ovarian cancer, familial, susceptibility to, 2. Last evaluated: 2021-06-11. Review status: criteria provided, single submitter. Criteria: NYGC Assertion Criteria 2020. Collection method: clinical testing. Allele origin: inherited. Observed: 1 heterozygote. Study: CSER-NYCKidSeq. Not counted in ClinVar's aggregate classification.
Comment: The heterozygous c.6486_6489del (p.Lys2162AsnfsTer5) frameshift variant identified in exon 11 (of 27) of the BRCA2 gene alters the wild-type translational reading frame and is predicted to cause loss of normal protein function either through protein truncation or nonsense-mediated mRNA decay. This variant has been previously reported in multiple unrelated individuals affected with BRCA2-associated disorders [PMID: 10660329; PMID:12474142; PMID:23479189; PMID:26360800; PMID:29339979]. This variant has also been reported as Pathogenic in ClinVar by multiple independent laboratories (Variation ID: 38048). The variant has 0.00001972 allele frequency in the gnomAD(v3) database (3 out of 152128 heterozygous alleles, no homozygotes) indicating it is not a common benign variant in the populations represented in that database. Based on the available evidence, the heterozygousc.6486_6489del (p.Lys2162AsnfsTer5) frameshift variant identified in the BRCA2 gene is reported as Pathogenic.

Institute of Medical Genetics and Applied Genomics, University Hospital Tübingen
Classification: Pathogenic. Last evaluated: 2020-10-23. Review status: criteria provided, single submitter. Criteria: ACMG Guidelines, 2015. Collection method: clinical testing. Allele origin: germline. Inheritance: Unknown mechanism. Affected: yes. Not counted in ClinVar's aggregate classification.